The following is an entry in ClinVar:

NM_004006.3(DMD):c.9650-4_9655del

Gene: DMD (dystrophin; minus strand). Cytogenetic location: Xp21.2.
Variant type: Deletion.
Coding change: c.9650-4_9655del on transcript NM_004006.3 (MANE Select); 4 bases into the intron before coding-DNA position 9650 through coding-DNA position 9655, 10 bases deleted (GTAGACCTTT; older notation c.9650-4_9655delGTAGACCTTT).
Molecular consequence: splice acceptor variant.
Genome position (GRCh38, 1-based): chrX:31,204,113-31,204,122, AAAGGTCTAC deleted on the plus strand (GTAGACCTTT on the coding strand, the reverse complement: DMD is on the minus strand); deleting any 10 consecutive bases within chrX:31,204,113-31,204,127 gives the same sequence; the c. name uses the placement nearest the transcript's 3' end. VCF-style (leftmost placement, unchanged base first): chrX-31204112-AAAAGGTCTAC-A. GRCh37 (hg19) VCF-style: chrX-31222229-AAAAGGTCTAC-A.
Other names: c.9650-4_9655delGTAGACCTTT (NM_004006.2); c.9626-4_9631del (NM_000109.4); c.5627-4_5632del (NM_004011.4); c.5618-4_5623del (NM_004012.4); c.2270-4_2275del (NM_004023.3, NM_004020.4, NM_004022.3 and 2 more transcripts); c.1463-4_1468del (NM_004014.3); c.446-4_451del (NM_004018.3, NM_004017.3, NM_004016.3 and 2 more transcripts); c.9638-4_9643del (NM_004009.3); and 1 more.
Identifiers: ClinVar variation 409933 (VCV000409933.12), dbSNP rs1060502653, ClinGen allele CA16616478.

ClinVar aggregate classification (germline): Likely pathogenic. Review status: criteria provided, multiple submitters, no conflicts (2 of 4 stars). 2 submissions from 2 submitters: Likely pathogenic (2). Last evaluated 2019-06-11.

Conditions:
Duchenne muscular dystrophy (DMD). Also called: MUSCULAR DYSTROPHY, PSEUDOHYPERTROPHIC PROGRESSIVE, DUCHENNE TYPE; Duchenne Muscular Dystrophy (DMD). Identifiers: Orphanet 98896, MedGen C0013264, MONDO:0010679, OMIM 310200.

Submissions (2):

Revvity Omics, Revvity
Classification: Likely pathogenic. Last evaluated: 2019-06-11. Review status: criteria provided, single submitter. Criteria: ACMG Guidelines, 2015. Collection method: clinical testing. Allele origin: germline.

Labcorp Genetics (formerly Invitae), Labcorp
Classification: Likely pathogenic for Duchenne muscular dystrophy. Last evaluated: 2016-08-24. Review status: criteria provided, single submitter. Criteria: Invitae Variant Classification Sherloc (09022015). Collection method: clinical testing. Allele origin: germline.
Comment: In summary, donor and acceptor splice site variants are typically loss-of-function (PMID: 16199547), and loss-of-function variants in DMD are known to be pathogenic (PMID: 16770791). However, without additional functional and/or genetic data, this variant has been classified as Likely Pathogenic. This variant is not present in population databases (ExAC no frequency) and has not been reported in the literature in individuals with a DMD-related disease. This sequence change affects acceptor splice site in intron 66 of the DMD gene. It is expected to disrupt RNA splicing and likely results in an absent or disrupted protein product.

Literature cited by the submitters: PubMed 16199547 (cited by Labcorp Genetics (formerly Invitae), Labcorp); PubMed 16770791 (cited by Labcorp Genetics (formerly Invitae), Labcorp).